The following is an entry in ClinVar:

NM_020810.3(TRMT5):c.358C>T (p.Arg120Cys)

Gene: TRMT5 (tRNA methyltransferase 5; minus strand). Cytogenetic location: 14q23.1.
Variant type: single nucleotide variant.
Coding change: c.358C>T on transcript NM_020810.3 (MANE Select); coding-DNA position 358, C replaced by T.
Protein change: p.Arg120Cys; replaces arginine 120 with cysteine.
Molecular consequence: missense variant.
Genome position (GRCh38, 1-based): chr14:60,979,540, G>A on the plus strand (C>T on the coding strand, the complement: TRMT5 is on the minus strand). VCF-style: chr14-60979540-G-A. GRCh37 (hg19) VCF-style: chr14-61446258-G-A.
Other names: c.442C>T, p.Arg148Cys (NM_001350253.1); c.439C>T, p.Arg147Cys (NM_001350254.1); c.358C>T (NM_020810.2); short protein forms R148C, R120C, R147C.
Identifiers: ClinVar variation 1499123 (VCV001499123.11), dbSNP rs747110175, ClinGen allele CA7213936.
Genomic context (GRCh38, chr14:60,979,540, plus strand): 5'-ACATGATTAGTCTACTTTCTTTATCTTCCGGATCTTCAATCACACGTCTTATGCCTGGGC[G>A]CTGCAATGCTGCCCTTTTTAGGGATCGCATCAATTTACTGACTATTTCTTTCCTCACTTT-3'
Protein context (NP_065861.3, residues 110-130): MRSLKRAALQ[Arg120Cys]PGIRRVIEDP

ClinVar aggregate classification (germline): Uncertain significance. Review status: criteria provided, multiple submitters, no conflicts (2 of 4 stars). 3 submissions from 3 submitters: Uncertain significance (3). Last evaluated 2025-01-23.

Conditions:
Inborn genetic diseases. Identifiers: MedGen C0950123, MeSH D030342.

Allele frequency attached by ClinVar (database versions not stated): TOPMed below 0.00001; ExAC 0.00002; gnomAD 0.00001; gnomAD exomes 0.00001.
gnomAD v4.1: 20 of 1,613,972 alleles (0.0012%); highest among the groups gnomAD compares: Middle Eastern, 0.016%; no homozygotes.

Submissions (3):

GeneDx
Classification: Uncertain significance. Last evaluated: 2025-01-23. Review status: criteria provided, single submitter. Criteria: GeneDx Variant Classification Process June 2021. Collection method: clinical testing. Allele origin: germline.
Comment: In silico analysis supports that this missense variant has a deleterious effect on protein structure/function; Has not been previously published as pathogenic or benign to our knowledge

Labcorp Genetics (formerly Invitae), Labcorp
Classification: Uncertain significance. Last evaluated: 2023-09-01. Review status: criteria provided, single submitter. Criteria: Invitae Variant Classification Sherloc (09022015). Collection method: clinical testing. Allele origin: germline.
Comment: ClinVar contains an entry for this variant (Variation ID: 1499123). In summary, the available evidence is currently insufficient to determine the role of this variant in disease. Therefore, it has been classified as a Variant of Uncertain Significance. Advanced modeling of protein sequence and biophysical properties (such as structural, functional, and spatial information, amino acid conservation, physicochemical variation, residue mobility, and thermodynamic stability) performed at Invitae indicates that this missense variant is not expected to disrupt TRMT5 protein function. This variant has not been reported in the literature in individuals affected with TRMT5-related conditions. This variant is present in population databases (rs747110175, gnomAD 0.01%). This sequence change replaces arginine, which is basic and polar, with cysteine, which is neutral and slightly polar, at codon 120 of the TRMT5 protein (p.Arg120Cys).

Ambry Genetics
Classification: Uncertain significance for Inborn genetic diseases. Last evaluated: 2023-06-28. Review status: criteria provided, single submitter. Criteria: Ambry Variant Classification Scheme 2023. Collection method: clinical testing. Allele origin: germline.